The following is an entry in ClinVar:

ClinVar aggregate classification (germline): Likely benign. Review status: criteria provided, multiple submitters, no conflicts (2 of 4 stars). 6 submissions from 6 submitters: Likely benign (6). Last evaluated 2025-08-11.

Conditions:
Cardiovascular phenotype. Identifiers: MedGen CN230736.
Familial hypobetalipoproteinemia 1. Also called: Hypobetalipoproteinemia, normotriglyceridemic; Acanthocytosis with hypobetalipoproteinemia; APOB-Related Familial Hypobetalipoproteinemia. Identifiers: MedGen C4551990, MONDO:0014252, OMIM 615558.
Hypercholesterolemia, autosomal dominant, type B (FHCL2). Also called: APOB-Related Familial Hypercholesterolemia, Autosomal Dominant; APOLIPOPROTEIN B-100, FAMILIAL DEFECTIVE; APOLIPOPROTEIN B-100, FAMILIAL LIGAND-DEFECTIVE; Familial hypercholesterolemia 2; Familial Hypercholesterolemia Type B; Hyperlipoproteinemia Type IIb. Identifiers: MedGen C1704417, MONDO:0007751, OMIM 144010.
Familial hypercholesterolemia. Also called: Familial hypercholesterolaemia; Familial hypercholesterolemias. Identifiers: MedGen C0020445, MONDO:0005439.
Hypercholesterolemia, familial, 1. Also called: LDL RECEPTOR DISORDER; Hyperlipoproteinemia Type IIa; HYPER-LOW-DENSITY-LIPOPROTEINEMIA; HYPERCHOLESTEROLEMIC XANTHOMATOSIS, FAMILIAL; Fredrickson type IIa hyperlipoproteinemia; Hyperlipoproteinemia type 2. Identifiers: Orphanet 391665, MedGen C0745103, MONDO:0007750, OMIM 143890.

Allele frequency attached by ClinVar (database versions not stated): 1000 Genomes Project 0.00020; gnomAD 0.00005; TOPMed 0.00006; ExAC 0.00007; gnomAD exomes 0.00008; 1000 Genomes Project 30x 0.00016.
gnomAD v4.1: 93 of 1,613,954 alleles (0.0058%); highest among the groups gnomAD compares: Middle Eastern, 0.016%; no homozygotes.

Submissions (6):

Labcorp Genetics (formerly Invitae), Labcorp
Classification: Likely benign for Familial hypobetalipoproteinemia 1; Hypercholesterolemia, autosomal dominant, type B. Last evaluated: 2025-08-11. Review status: criteria provided, single submitter. Criteria: Invitae Variant Classification Sherloc (09022015). Collection method: clinical testing. Allele origin: germline.

Blueprint Genetics
Classification: Likely benign. Last evaluated: 2024-05-08. Review status: criteria provided, single submitter. Criteria: ACMG Guidelines, 2015. Collection method: clinical testing. Allele origin: germline.

GENinCode PLC
Classification: Likely benign for Familial hypercholesterolemia. Last evaluated: 2023-07-31. Review status: criteria provided, single submitter. Criteria: ACMG Guidelines, 2015. Collection method: clinical testing. Allele origin: germline.
Comment: This is a synonymous (silent) variant that is not predicted by SpliceAI to impact splicing. In addition, it occurs at a nucleotide that is not conserved. Therefore this variant has been classified as Likely Benign (BP4, BP7).

Ambry Genetics
Classification: Likely benign for Cardiovascular phenotype. Last evaluated: 2020-09-15. Review status: criteria provided, single submitter. Criteria: Ambry Variant Classification Scheme 2023. Collection method: clinical testing. Allele origin: germline.

CeGaT Center for Human Genetics Tuebingen
Classification: Likely benign. Last evaluated: 2019-06-01. Review status: criteria provided, single submitter. Criteria: CeGaT Center For Human Genetics Tuebingen Variant Classification Criteria Version 2. Collection method: clinical testing. Allele origin: germline. Affected: yes. Observed: 1 variant allele.

Robarts Research Institute, Western University
Classification: Likely benign for Hypercholesterolemia, familial, 1. Last evaluated: 2018-01-02. Review status: criteria provided, single submitter. Criteria: ACMG Guidelines, 2015. Collection method: clinical testing. Allele origin: germline. Inheritance: Autosomal dominant inheritance. Affected: yes.

NM_000384.3(APOB):c.13452G>A (p.Thr4484=)

Gene: APOB (apolipoprotein B; minus strand). Cytogenetic location: 2p24.1.
Variant type: single nucleotide variant.
Coding change: c.13452G>A on transcript NM_000384.3 (MANE Select); coding-DNA position 13452, G replaced by A.
Protein change: p.Thr4484=; no amino-acid change (threonine 4484 retained).
Molecular consequence: synonymous variant.
Genome position (GRCh38, 1-based): chr2:21,001,970, C>T on the plus strand (G>A on the coding strand, the complement: APOB is on the minus strand). VCF-style: chr2-21001970-C-T. GRCh37 (hg19) VCF-style: chr2-21224842-C-T.
Identifiers: ClinVar variation 412951 (VCV000412951.57), dbSNP rs200374122, ClinGen allele CA052855.
Genomic context (GRCh38, chr2:21,001,970, plus strand): 5'-GTCTGAAAAATCTTGCAGTTTATATCTAAACTGCTGGTGGTAATCAGAAATTATTTTCTT[C>T]GTCGCAATGGCCTGGCTTTTAATTATTTCCTGAGCAGTGGCAGAAAGCTCTGCAATCTTC-3'
Protein context (NP_000375.3, residues 4474-4494): QEIIKSQAIA[Thr4484=]KKIISDYHQQ